The following is an entry in ClinVar:

NM_182961.4(SYNE1):c.3027+17C>T

Gene: SYNE1 (spectrin repeat containing nuclear envelope protein 1; minus strand). Cytogenetic location: 6q25.2.
Variant type: single nucleotide variant.
Coding change: c.3027+17C>T on transcript NM_182961.4 (MANE Select); 17 bases into the intron after coding-DNA position 3027, C replaced by T.
Molecular consequence: intron variant.
Genome position (GRCh38, 1-based): chr6:152,453,569, G>A on the plus strand (C>T on the coding strand, the complement: SYNE1 is on the minus strand). VCF-style: chr6-152453569-G-A. GRCh37 (hg19) VCF-style: chr6-152774704-G-A.
Other names: c.3048+17C>T (NM_033071.5).
Identifiers: ClinVar variation 516021 (VCV000516021.11), dbSNP rs375786325, ClinGen allele CA4058968.
Genomic context (GRCh38, chr6:152,453,569, plus strand): 5'-TTACATTTGGACCTTAACACGCTCAAGCTTCTCCCTTCATTGAGGATGCACGGTGTCTCC[G>A]TCCTGTCCTGACTCACCTTCCATTGTTTGTGGAGCTTTCGAACAGCTTCCTGCAGCCCCT-3'

ClinVar aggregate classification (germline): Benign/Likely benign. Review status: criteria provided, multiple submitters, no conflicts (2 of 4 stars). 3 submissions from 3 submitters: Benign (1); Likely benign (2). Last evaluated 2025-12-16.

Conditions:
Emery-Dreifuss muscular dystrophy 4, autosomal dominant (EDMD4). Also called: EMERY-DREIFUSS MUSCULAR DYSTROPHY 4 WITH VARIABLE FEATURES. Identifiers: Orphanet 261, MedGen C2751807, MONDO:0013071, OMIM 612998.
Autosomal recessive ataxia, Beauce type. Also called: Spinocerebellar ataxia, autosomal recessive 8; ATAXIA, RECESSIVE, OF BEAUCE; SYNE1-Related Autosomal Recessive Cerebellar Ataxia; SYNE1 Deficiency. Identifiers: Orphanet 88644, MedGen C1853116, MONDO:0012549, OMIM 610743.

Allele frequency attached by ClinVar (database versions not stated): gnomAD exomes 0.00012 and 0.00032; ExAC 0.00049; 1000 Genomes Project 30x 0.00062; 1000 Genomes Project 0.00080; gnomAD 0.00119 and 0.00134; TOPMed 0.00136; ESP Exome Variant Server 0.00161.
gnomAD v4.1: 367 of 1,614,170 alleles (0.023%); highest among the groups gnomAD compares: African/African-American, 0.38%; 1 homozygote.

Submissions (3):

Labcorp Genetics (formerly Invitae), Labcorp
Classification: Benign for Emery-Dreifuss muscular dystrophy 4, autosomal dominant; Autosomal recessive ataxia, Beauce type. Last evaluated: 2025-12-16. Review status: criteria provided, single submitter. Criteria: Invitae Variant Classification Sherloc (09022015). Collection method: clinical testing. Allele origin: germline.

Blueprint Genetics
Classification: Likely benign. Last evaluated: 2024-11-13. Review status: criteria provided, single submitter. Criteria: ACMG Guidelines, 2015. Collection method: clinical testing. Allele origin: germline.

GeneDx
Classification: Likely benign. Last evaluated: 2018-03-13. Review status: criteria provided, single submitter. Criteria: GeneDx Variant Classification (06012015). Collection method: clinical testing. Allele origin: germline. Affected: yes.
Comment: This variant is considered likely benign or benign based on one or more of the following criteria: it is a conservative change, it occurs at a poorly conserved position in the protein, it is predicted to be benign by multiple in silico algorithms, and/or has population frequency not consistent with disease.